The following is an entry in ClinVar:

NM_001005242.3(PKP2):c.2202_2206delinsCAGT (p.Pro735fs)

Gene: PKP2 (plakophilin 2; minus strand). Cytogenetic location: 12p11.21.
Variant type: Indel.
Coding change: c.2202_2206delinsCAGT on transcript NM_001005242.3 (MANE Select); coding-DNA positions 2202 to 2206, TCCTG replaced by CAGT.
Protein change: p.Pro735fs; shifts the reading frame from proline 735.
Molecular consequence: frameshift variant.
Genome position (GRCh38, 1-based): chr12:32,796,260-32,796,264, CAGGA replaced by ACTG on the plus strand (TCCTG replaced by CAGT on the coding strand, the reverse complement: PKP2 is on the minus strand). VCF-style: chr12-32796260-CAGGA-ACTG. GRCh37 (hg19) VCF-style: chr12-32949194-CAGGA-ACTG.
Other names: c.2334_2338delinsCAGT, p.Pro779fs (NM_004572.4); short protein forms P735fs, P779fs.
Identifiers: ClinVar variation 45065 (VCV000045065.6), dbSNP rs397517022, ClinGen allele CA011929.

ClinVar aggregate classification (germline): Pathogenic/Likely pathogenic. Review status: criteria provided, multiple submitters, no conflicts (2 of 4 stars). 2 submissions from 2 submitters: Pathogenic (1); Likely pathogenic (1). Last evaluated 2019-11-11.

Conditions:
Arrhythmogenic right ventricular cardiomyopathy (ARVD). Also called: Arrhythmogenic right ventricular dysplasia; Arrhythmogenic cardiomyopathy; Arrhythmogenic Right Ventricular Cardiomyopathy (ARVC); Cardiomyopathy, ARVC. Identifiers: Orphanet 247, MedGen C0349788, MeSH D019571, MONDO:0016587. Disease mechanism: loss of function. Inheritance: Various modes of inheritance.
Arrhythmogenic right ventricular dysplasia 9 (ARVD9). Also called: ARRHYTHMOGENIC RIGHT VENTRICULAR DYSPLASIA, FAMILIAL, 9; Arrhythmogenic Right Ventricular Dysplasia/Cardiomyopathy 9. Identifiers: MedGen C1836906, MONDO:0012180, OMIM 609040.

Submissions (2):

Labcorp Genetics (formerly Invitae), Labcorp
Classification: Pathogenic for Arrhythmogenic right ventricular cardiomyopathy, type 9. Last evaluated: 2019-11-11. Review status: criteria provided, single submitter. Criteria: Invitae Variant Classification Sherloc (09022015). Collection method: clinical testing. Allele origin: germline.
Comment: This sequence change creates a premature translational stop signal (p.Pro779Serfs*21) in the PKP2 gene. It is expected to result in an absent or disrupted protein product. This variant is not present in population databases (ExAC no frequency). This variant has not been reported in the literature in individuals with PKP2-related conditions. ClinVar contains an entry for this variant (Variation ID: 45065). Loss-of-function variants in PKP2 are known to be pathogenic (PMID: 15489853, 23911551). For these reasons, this variant has been classified as Pathogenic.

Laboratory for Molecular Medicine, Mass General Brigham Personalized Medicine
Classification: Likely pathogenic for Arrhythmogenic right ventricular cardiomyopathy. Last evaluated: 2017-04-07. Review status: criteria provided, single submitter. Criteria: LMM Criteria. Collection method: clinical testing. Allele origin: germline. Observed: 3 variant alleles.
Comment: It was absent from large population studies. This vari ant is predicted to cause a frameshift, which alters the protein?s amino acid se quence beginning at position 779 and leads to a premature termination codon 21 a mino acids downstream. This alteration is then predicted to lead to a truncated or absent protein. Frameshift and other truncating variants in PKP2 are well-rep orted in individuals with ARVC (ARVD/C Genetic Variant Database, base.info; Human Gene Mutation Database). In summary, although additional studie s are required to fully establish its clinical significance, the p.Pro779fs vari ant is likely pathogenic.